The following is an entry in ClinVar:

ClinVar aggregate classification (germline): Pathogenic (1 of 4 stars; one submission).

Conditions:
Inborn genetic diseases. Identifiers: MedGen C0950123, MeSH D030342.

Submission:

Ambry Genetics
Classification: Pathogenic for Inborn genetic diseases. Last evaluated: 2025-10-06. Review status: criteria provided, single submitter. Criteria: Ambry Variant Classification Scheme 2023. Collection method: clinical testing. Allele origin: germline.
Comment: The c.5952delA (p.L1985*) alteration, located in exon 36 (coding exon 33) of the WDFY3 gene, consists of a deletion of one nucleotide at position 5952. This changes the amino acid from a lysine (K) to a stop codon at amino acid position 1985. This alteration is expected to result in loss of function by premature protein truncation or nonsense-mediated mRNA decay. This variant was not reported in population-based cohorts in the Genome Aggregation Database (gnomAD). Based on the available evidence, this alteration is classified as pathogenic.

NM_014991.6(WDFY3):c.5952del (p.Pro1984_Leu1985insTer)

Gene: WDFY3 (WD repeat and FYVE domain containing 3; minus strand). Cytogenetic location: 4q21.23.
Variant type: Deletion.
Coding change: c.5952del on transcript NM_014991.6 (MANE Select); coding-DNA position 5952, one base deleted (A; older notation c.5952delA).
Protein change: p.Pro1984_Leu1985insTer.
Molecular consequence: frameshift variant.
Genome position (GRCh38, 1-based): chr4:84,751,504, T deleted on the plus strand (A on the coding strand, the reverse complement: WDFY3 is on the minus strand). VCF-style (leftmost placement, unchanged base first): chr4-84751503-GT-G. GRCh37 (hg19) VCF-style: chr4-85672656-GT-G.
Identifiers: ClinVar variation 4634622 (VCV004634622.1).